The following is an entry in ClinVar:

ClinVar aggregate classification (germline): Uncertain significance. Review status: criteria provided, multiple submitters, no conflicts (2 of 4 stars). 2 submissions from 2 submitters: Uncertain significance (2). Last evaluated 2025-03-21.

Conditions:
Inborn genetic diseases. Identifiers: MedGen C0950123, MeSH D030342.

Allele frequency attached by ClinVar (database versions not stated): gnomAD exomes 0.00001.
gnomAD v4.1: 29 of 1,547,322 alleles (0.0019%); highest among the groups gnomAD compares: East Asian, 0.0049%; no homozygotes.

Submissions (2):

Ambry Genetics
Classification: Uncertain significance for Inborn genetic diseases. Last evaluated: 2025-03-21. Review status: criteria provided, single submitter. Criteria: Ambry Variant Classification Scheme 2023. Collection method: clinical testing. Allele origin: germline.

Labcorp Genetics (formerly Invitae), Labcorp
Classification: Uncertain significance. Last evaluated: 2021-06-03. Review status: criteria provided, single submitter. Criteria: Invitae Variant Classification Sherloc (09022015). Collection method: clinical testing. Allele origin: germline.
Comment: In summary, the available evidence is currently insufficient to determine the role of this variant in disease. Therefore, it has been classified as a Variant of Uncertain Significance. Algorithms developed to predict the effect of sequence changes on RNA splicing suggest that this variant may create or strengthen a splice site, but this prediction has not been confirmed by published transcriptional studies. This sequence change replaces alanine with valine at codon 2261 of the LAMA5 protein (p.Ala2261Val). The alanine residue is moderately conserved and there is a small physicochemical difference between alanine and valine. The frequency data for this variant in the population databases is considered unreliable, as metrics indicate poor data quality at this position in the ExAC database. This variant has not been reported in the literature in individuals with LAMA5-related conditions. Algorithms developed to predict the effect of missense changes on protein structure and function are either unavailable or do not agree on the potential impact of this missense change (SIFT: "Tolerated"; PolyPhen-2: "Possibly Damaging"; Align-GVGD: "Class C0").

NM_005560.6(LAMA5):c.6782C>T (p.Ala2261Val)

Gene: LAMA5 (laminin subunit alpha 5; minus strand). Cytogenetic location: 20q13.33.
Variant type: single nucleotide variant.
Coding change: c.6782C>T on transcript NM_005560.6 (MANE Select); coding-DNA position 6782, C replaced by T.
Protein change: p.Ala2261Val; replaces alanine 2261 with valine.
Molecular consequence: missense variant.
Genome position (GRCh38, 1-based): chr20:62,319,773, G>A on the plus strand (C>T on the coding strand, the complement: LAMA5 is on the minus strand). VCF-style: chr20-62319773-G-A. GRCh37 (hg19) VCF-style: chr20-60894829-G-A.
Other names: c.6782C>T (NM_005560.3); short protein forms A2261V.
Identifiers: ClinVar variation 1391495 (VCV001391495.9), dbSNP rs765161924, ClinGen allele CA9941553.